The following is an entry in ClinVar:

NM_001134407.3(GRIN2A):c.2511G>A (p.Trp837Ter)

Gene: GRIN2A (glutamate ionotropic receptor NMDA type subunit 2A; minus strand). Cytogenetic location: 16p13.2.
Variant type: single nucleotide variant.
Coding change: c.2511G>A on transcript NM_001134407.3 (MANE Select); coding-DNA position 2511, G replaced by A.
Protein change: p.Trp837Ter; replaces tryptophan 837 with a stop codon.
Molecular consequence: nonsense.
Genome position (GRCh38, 1-based): chr16:9,768,935, C>T on the plus strand (G>A on the coding strand, the complement: GRIN2A is on the minus strand). VCF-style: chr16-9768935-C-T. GRCh37 (hg19) VCF-style: chr16-9862792-C-T.
Other names: c.2511G>A, p.Trp837Ter (NM_000833.5, NM_001134408.2); short protein forms W837*.
Identifiers: ClinVar variation 2575938 (VCV002575938.1), dbSNP rs1555483682, ClinGen allele CA394709979.
Genomic context (GRCh38, chr16:9,768,935, plus strand): 5'-AGGCCGGTCGGAGCACACGCCCGTGAAACAGAAGCGCAGCTTCCAGTAGAAGAGGTGCTC[C>T]CAGATGAAGGTGATGAGGCTAAGGGCCATGGCGGCAGCCAGCATGTAGAATACGCCCGCC-3'

ClinVar aggregate classification (germline): Likely pathogenic (1 of 4 stars; one submission).

Submission:

Institute for Clinical Genetics, University Hospital TU Dresden, University Hospital TU Dresden
Classification: Likely pathogenic. Last evaluated: 2022-09-14. Review status: criteria provided, single submitter. Criteria: ACMG Guidelines, 2015. Collection method: clinical testing. Allele origin: germline.
Comment: PVS1, PM2_SUP